The following is an entry in ClinVar:

NM_001385012.1(NBEA):c.6407C>A (p.Ala2136Glu)

Gene: NBEA (neurobeachin; plus strand). Cytogenetic location: 13q13.3.
Variant type: single nucleotide variant.
Coding change: c.6407C>A on transcript NM_001385012.1 (MANE Select); coding-DNA position 6407, C replaced by A.
Protein change: p.Ala2136Glu; replaces alanine 2136 with glutamic acid.
Molecular consequence: missense variant.
Genome position (GRCh38, 1-based): chr13:35,452,194, C>A. VCF-style: chr13-35452194-C-A. GRCh37 (hg19) VCF-style: chr13-36026331-C-A.
Other names: c.6398C>A, p.Ala2133Glu (NM_001379245.1); c.6407C>A, p.Ala2136Glu (NM_015678.5); short protein forms A2133E, A2136E.
Identifiers: ClinVar variation 3777682 (VCV003777682.1).
Genomic context (GRCh38, chr13:35,452,194, plus strand): 5'-GTCAAGCAATAGTGAACCAAAATGCAGAGACAGAACTTATGCTGGAAGGAGACGATGATG[C>A]AGTCAGTCTGCTACAGGAGAAAGAAATTGACAACCTTGCAGGTAAATTTTAAAATATATT-3'
Protein context (NP_001371941.1, residues 2126-2146): TELMLEGDDD[Ala2136Glu]VSLLQEKEID

ClinVar aggregate classification (germline): Uncertain significance (1 of 4 stars; one submission).

Submission:

GeneDx
Classification: Uncertain significance. Last evaluated: 2024-10-13. Review status: criteria provided, single submitter. Criteria: GeneDx Variant Classification Process June 2021. Collection method: clinical testing. Allele origin: germline. Affected: yes.
Comment: Not observed at significant frequency in large population cohorts (gnomAD); In silico analysis indicates that this missense variant does not alter protein structure/function; Has not been previously published as pathogenic or benign to our knowledge